The following is an entry in ClinVar:

ClinVar aggregate classification (germline): Pathogenic (1 of 4 stars; one submission).

Conditions:
Wilson disease (WND). Also called: Wilson's disease. Identifiers: Orphanet 905, MedGen C0019202, MONDO:0010200, OMIM 277900. Disease mechanism: loss of function.

Submission:

Labcorp Genetics (formerly Invitae), Labcorp
Classification: Pathogenic for Wilson disease. Last evaluated: 2021-06-28. Review status: criteria provided, single submitter. Criteria: Invitae Variant Classification Sherloc (09022015). Collection method: clinical testing. Allele origin: germline.
Comment: For these reasons, this variant has been classified as Pathogenic. This variant has been observed in individual(s) with clinical features of Wilson disease (PMID: 16088907). This variant is not present in population databases (ExAC no frequency). This sequence change creates a premature translational stop signal (p.Tyr187*) in the ATP7B gene. It is expected to result in an absent or disrupted protein product. Loss-of-function variants in ATP7B are known to be pathogenic (PMID: 10441329, 16283883).

Literature cited by the submitters: PubMed 16088907; PubMed 10441329; PubMed 16283883.

NM_000053.4(ATP7B):c.561_563del (p.Tyr187_Gln188delinsTer)

Gene: ATP7B (ATPase copper transporting beta; minus strand). Cytogenetic location: 13q14.3.
Variant type: Deletion.
Coding change: c.561_563del on transcript NM_000053.4 (MANE Select); coding-DNA positions 561 to 563, 3 bases deleted (TCA; older notation c.561_563delTCA).
Protein change: p.Tyr187_Gln188delinsTer.
Molecular consequence: nonsense.
Genome position (GRCh38, 1-based): chr13:51,974,657-51,974,659, TGA deleted on the plus strand (TCA on the coding strand, the reverse complement: ATP7B is on the minus strand); deleting any 3 consecutive bases within chr13:51,974,657-51,974,660 gives the same sequence; the c. name uses the placement nearest the transcript's 3' end. VCF-style (leftmost placement, unchanged base first): chr13-51974656-CTGA-C. GRCh37 (hg19) VCF-style: chr13-52548792-CTGA-C.
Other names: c.561_563del, p.Tyr187_Gln188delinsTer (NM_001005918.3, NM_001243182.2, NM_001330578.2 and 1 more transcripts).
Identifiers: ClinVar variation 1456074 (VCV001456074.8), dbSNP rs2140096745, ClinGen allele CA2573149660.
Genomic context (GRCh38, chr13:51,974,656, plus strand): 5'-AGCTTCAAATCCCATGTCATTTACATGGTCCCTGAGGTCTTCGGGCTGAATGAGATAAGG[CTGA>C]TAAGTGATGACGGCCTCTTGGTTGCTGAGTGAGACTTTGACTCTCACTACTCCTTGCAGT-3'